The following is an entry in ClinVar:

NM_002474.3(MYH11):c.3005A>G (p.Lys1002Arg)

Gene: MYH11 (myosin heavy chain 11; minus strand). Cytogenetic location: 16p13.11.
Variant type: single nucleotide variant.
Coding change: c.3005A>G on transcript NM_002474.3 (MANE Select); coding-DNA position 3005, A replaced by G.
Protein change: p.Lys1002Arg; replaces lysine 1002 with arginine.
Molecular consequence: missense variant.
Genome position (GRCh38, 1-based): chr16:15,738,681, T>C on the plus strand (A>G on the coding strand, the complement: MYH11 is on the minus strand). VCF-style: chr16-15738681-T-C. GRCh37 (hg19) VCF-style: chr16-15832538-T-C.
Other names: c.3026A>G, p.Lys1009Arg (NM_001040113.2, NM_001040114.2); c.3005A>G, p.Lys1002Arg (NM_022844.3); c.3005A>G (NM_002474.2); short protein forms K1002R, K1009R.
Identifiers: ClinVar variation 3072627 (VCV003072627.4), dbSNP rs755584033, ClinGen allele CA7922109.

ClinVar aggregate classification (germline): Uncertain significance. Review status: criteria provided, multiple submitters, no conflicts (2 of 4 stars). 3 submissions from 3 submitters: Uncertain significance (3). Last evaluated 2026-06-23.

Conditions:
Familial thoracic aortic aneurysm and aortic dissection (TAAD). Also called: Thoracic aortic aneurysms and dissections. Identifiers: Orphanet 91387, MedGen C4707243, MONDO:0019625.
Aortic aneurysm, familial thoracic 4 (AAT4). Also called: AORTIC ANEURYSM/AORTIC DISSECTION AND PATENT DUCTUS ARTERIOSUS. Identifiers: MedGen C1851504, MONDO:0007568, OMIM 132900.

Allele frequency attached by ClinVar (database versions not stated): TOPMed below 0.00001; ExAC 0.00001; gnomAD exomes below 0.00001.
gnomAD v4.1: 1 of 1,613,872 alleles (0.000062%); highest among the groups gnomAD compares: Admixed American, 0.0017%; no homozygotes.

Submissions (3):

Ambry Genetics
Classification: Uncertain significance for Familial thoracic aortic aneurysm and aortic dissection. Last evaluated: 2026-06-23. Review status: criteria provided, single submitter. Criteria: Ambry Variant Classification Scheme 2023. Collection method: clinical testing. Allele origin: germline.

Labcorp Genetics (formerly Invitae), Labcorp
Classification: Uncertain significance for Aortic aneurysm, familial thoracic 4. Last evaluated: 2024-02-12. Review status: criteria provided, single submitter. Criteria: Invitae Variant Classification Sherloc (09022015). Collection method: clinical testing. Allele origin: germline.
Comment: This sequence change replaces lysine, which is basic and polar, with arginine, which is basic and polar, at codon 1009 of the MYH11 protein (p.Lys1009Arg). This variant is present in population databases (rs755584033, gnomAD 0.003%). This variant has not been reported in the literature in individuals affected with MYH11-related conditions. Advanced modeling of protein sequence and biophysical properties (such as structural, functional, and spatial information, amino acid conservation, physicochemical variation, residue mobility, and thermodynamic stability) performed at Invitae indicates that this missense variant is not expected to disrupt MYH11 protein function with a negative predictive value of 95%. In summary, the available evidence is currently insufficient to determine the role of this variant in disease. Therefore, it has been classified as a Variant of Uncertain Significance.

All of Us Research Program, National Institutes of Health
Classification: Uncertain significance for Familial thoracic aortic aneurysm and aortic dissection. Last evaluated: 2023-08-15. Review status: criteria provided, single submitter. Criteria: ACMG Guidelines, 2015. Collection method: clinical testing. Allele origin: germline. Inheritance: Autosomal dominant inheritance. Observed: 1 variant allele, 1 heterozygote.
Comment: This study involves interpretation of variants in research participants for the purpose of population health screening. Participant phenotype was not available at the time of variant classification. Additional details can be found in publication PMID: 35346344, PMCID: PMC8962531